The following is an entry in ClinVar:

NM_001916.5(CYC1):c.13G>A (p.Ala5Thr)

Gene: CYC1 (cytochrome c1; plus strand). Cytogenetic location: 8q24.3.
Variant type: single nucleotide variant.
Coding change: c.13G>A on transcript NM_001916.5 (MANE Select); coding-DNA position 13, G replaced by A.
Protein change: p.Ala5Thr; replaces alanine 5 with threonine.
Molecular consequence: missense variant.
Genome position (GRCh38, 1-based): chr8:144,095,112, G>A. VCF-style: chr8-144095112-G-A. GRCh37 (hg19) VCF-style: chr8-145150015-G-A.
Other names: short protein forms A5T.
Identifiers: ClinVar variation 2458888 (VCV002458888.4), dbSNP rs971676363, ClinGen allele CA187615454.

ClinVar aggregate classification (germline): Uncertain significance. Review status: criteria provided, multiple submitters, no conflicts (2 of 4 stars). 2 submissions from 2 submitters: Uncertain significance (2). Last evaluated 2025-03-12.

Allele frequency attached by ClinVar (database versions not stated): gnomAD 0.00001; gnomAD exomes 0.00001; TOPMed 0.00005.
gnomAD v4.1: 8 of 1,210,502 alleles (0.00066%); highest among the groups gnomAD compares: Admixed American, 0.018%; no homozygotes.

Submissions (2):

Labcorp Genetics (formerly Invitae), Labcorp
Classification: Uncertain significance. Last evaluated: 2025-03-12. Review status: criteria provided, single submitter. Criteria: Invitae Variant Classification Sherloc (09022015). Collection method: clinical testing. Allele origin: germline.
Comment: This sequence change replaces alanine, which is neutral and non-polar, with threonine, which is neutral and polar, at codon 5 of the CYC1 protein (p.Ala5Thr). This variant is not present in population databases (gnomAD no frequency). This variant has not been reported in the literature in individuals affected with CYC1-related conditions. ClinVar contains an entry for this variant (Variation ID: 2458888). An algorithm developed to predict the effect of missense changes on protein structure and function (PolyPhen-2) suggests that this variant is likely to be disruptive. In summary, the available evidence is currently insufficient to determine the role of this variant in disease. Therefore, it has been classified as a Variant of Uncertain Significance.

Ambry Genetics
Classification: Uncertain significance. Last evaluated: 2025-02-21. Review status: criteria provided, single submitter. Criteria: Ambry Variant Classification Scheme 2023. Collection method: clinical testing. Allele origin: germline.